The following is an entry in ClinVar:

ClinVar aggregate classification (germline): Uncertain significance (1 of 4 stars; one submission).

Allele frequency attached by ClinVar (database versions not stated): gnomAD 0.00001; gnomAD exomes 0.00001.
gnomAD v4.1: 6 of 1,550,664 alleles (0.00039%); highest among the groups gnomAD compares: Admixed American, 0.012%; no homozygotes.

Submission:

Labcorp Genetics (formerly Invitae), Labcorp
Classification: Uncertain significance. Last evaluated: 2023-08-17. Review status: criteria provided, single submitter. Criteria: Invitae Variant Classification Sherloc (09022015). Collection method: clinical testing. Allele origin: germline.
Comment: This sequence change replaces cysteine, which is neutral and slightly polar, with serine, which is neutral and polar, at codon 1212 of the OTOG protein (p.Cys1212Ser). In summary, the available evidence is currently insufficient to determine the role of this variant in disease. Therefore, it has been classified as a Variant of Uncertain Significance. An algorithm developed to predict the effect of missense changes on protein structure and function (PolyPhen-2) suggests that this variant is likely to be disruptive. ClinVar contains an entry for this variant (Variation ID: 2081769). This variant has not been reported in the literature in individuals affected with OTOG-related conditions. This variant is present in population databases (no rsID available, gnomAD 0.01%).

NM_001292063.2(OTOG):c.3598T>A (p.Cys1200Ser)

Gene: OTOG (otogelin; plus strand). Cytogenetic location: 11p15.1.
Variant type: single nucleotide variant.
Coding change: c.3598T>A on transcript NM_001292063.2 (MANE Select); coding-DNA position 3598, T replaced by A.
Protein change: p.Cys1200Ser; replaces cysteine 1200 with serine.
Molecular consequence: missense variant.
Genome position (GRCh38, 1-based): chr11:17,596,923, T>A. VCF-style: chr11-17596923-T-A. GRCh37 (hg19) VCF-style: chr11-17618470-T-A.
Other names: c.3634T>A, p.Cys1212Ser (NM_001277269.2); short protein forms C1212S, C1200S.
Identifiers: ClinVar variation 2081769 (VCV002081769.4), dbSNP rs932969509, ClinGen allele CA218462148.
Genomic context (GRCh38, chr11:17,596,923, plus strand): 5'-TGGTTTTACTCAAACTGCCTGACAGACACATGTGGCTGCAGCCAGGGTGGTGACTGTGAG[T>A]GCTTCTGTGCCAGCGTCTCCGCTTATGCCCACCAGTGTTGCCAGCATGGGGTGGCTGTTG-3'
Protein context (NP_001278992.1, residues 1190-1210): CGCSQGGDCE[Cys1200Ser]FCASVSAYAH